The following is an entry in ClinVar:

NM_005859.5(PURA):c.387G>C (p.Pro129=)

Genes: PURA (purine rich element binding protein A; plus strand), LOC129994826 (ATAC-STARR-seq lymphoblastoid active region 23260; plus strand). Cytogenetic location: 5q31.3.
Variant type: single nucleotide variant.
Coding change: c.387G>C on transcript NM_005859.5 (MANE Select); coding-DNA position 387, G replaced by C.
Protein change: p.Pro129=; no amino-acid change (proline 129 retained).
Molecular consequence: synonymous variant.
Genome position (GRCh38, 1-based): chr5:140,114,568, G>C. VCF-style: chr5-140114568-G-C. GRCh37 (hg19) VCF-style: chr5-139494153-G-C.
Identifiers: ClinVar variation 772318 (VCV000772318.13), dbSNP rs777864550, ClinGen allele CA3437456.

ClinVar aggregate classification (germline): Likely benign. Review status: criteria provided, multiple submitters, no conflicts (2 of 4 stars). 2 submissions from 2 submitters: Likely benign (2). Last evaluated 2026-04-01.

Conditions:
PURA-related severe neonatal hypotonia-seizures-encephalopathy syndrome (NEDRIHF). Also called: PURA-Related Neurodevelopmental Disorders; NEURODEVELOPMENTAL DISORDER WITH NEONATAL RESPIRATORY INSUFFICIENCY, HYPOTONIA, AND FEEDING DIFFICULTIES. Identifiers: Orphanet 438213, Orphanet 438216, MedGen C4015357, MONDO:1060108, OMIM 616158, MONDO:0018580.

Allele frequency attached by ClinVar (database versions not stated): TOPMed 0.00004.
gnomAD v4.1: 8 of 1,601,262 alleles (0.0005%); highest among the groups gnomAD compares: East Asian, 0.0022%; no homozygotes.

Submissions (2):

CeGaT Center for Human Genetics Tuebingen
Classification: Likely benign. Last evaluated: 2026-04-01. Review status: criteria provided, single submitter. Criteria: CeGaT Center For Human Genetics Tuebingen Variant Classification Criteria Version 2. Collection method: clinical testing. Allele origin: germline. Affected: yes. Observed: 1 variant allele.
Comment: PURA: BP4, BP7

Labcorp Genetics (formerly Invitae), Labcorp
Classification: Likely benign for PURA-related severe neonatal hypotonia-seizures-encephalopathy syndrome. Last evaluated: 2024-06-26. Review status: criteria provided, single submitter. Criteria: Invitae Variant Classification Sherloc (09022015). Collection method: clinical testing. Allele origin: germline.